The following is an entry in ClinVar:

NM_021620.4(PRDM13):c.1116GCC[10] (p.Pro375_Pro378dup)

Genes: PRDM13 (PR/SET domain 13; plus strand), LOC129996881 (ATAC-STARR-seq lymphoblastoid silent region 17422; plus strand). Cytogenetic location: 6q16.2.
Variant type: Microsatellite.
Coding change: c.1116GCC[10] on transcript NM_021620.4 (MANE Select); ten copies in a row of the 3-base unit GCC starting at c.1116; the reference has six copies in a row; four copies, 12 bases duplicated.
Protein change: p.Pro375_Pro378dup.
Molecular consequence: inframe insertion.
Genome position (GRCh38, 1-based): chr6:99,613,757-99,613,768, GCCGCCGCCGCC duplicated; duplicating any 12 consecutive bases within chr6:99,613,749-99,613,768 gives the same sequence; the position shown is the placement nearest the transcript's 3' end. VCF-style (leftmost placement, unchanged base first): chr6-99613748-C-CCCGCCGCCGCCG. GRCh37 (hg19) VCF-style: chr6-100061624-C-CCCGCCGCCGCCG.
Identifiers: ClinVar variation 1040367 (VCV001040367.10), dbSNP rs112674667, ClinGen allele CA569097807.

ClinVar aggregate classification (germline): Conflicting classifications of pathogenicity. Review status: criteria provided, conflicting classifications (1 of 4 stars). 2 submissions from 2 submitters: Uncertain significance (1); Likely benign (1). Last evaluated 2023-10-23.

Submissions (2):

Labcorp Genetics (formerly Invitae), Labcorp
Classification: Uncertain significance. Last evaluated: 2023-10-23. Review status: criteria provided, single submitter. Criteria: Invitae Variant Classification Sherloc (09022015). Collection method: clinical testing. Allele origin: germline.
Comment: This variant, c.1122_1133dup, results in the insertion of 4 amino acid(s) of the PRDM13 protein (p.Pro375_Pro378dup), but otherwise preserves the integrity of the reading frame. This variant is present in population databases (no rsID available, gnomAD 0.005%). This variant has not been reported in the literature in individuals affected with PRDM13-related conditions. Experimental studies and prediction algorithms are not available or were not evaluated, and the functional significance of this variant is currently unknown. In summary, the available evidence is currently insufficient to determine the role of this variant in disease. Therefore, it has been classified as a Variant of Uncertain Significance.

Blueprint Genetics
Classification: Likely benign. Last evaluated: 2023-10-12. Review status: criteria provided, single submitter. Criteria: ACMG Guidelines, 2015. Collection method: clinical testing. Allele origin: germline.